The following is an entry in ClinVar:

ClinVar aggregate classification (germline): Uncertain significance (1 of 4 stars; one submission).

Conditions:
Hereditary pancreatitis (PCTT). Also called: Hereditary chronic pancreatitis; PRSS1-Related Hereditary Pancreatitis. Identifiers: Orphanet 676, MedGen C0238339, MONDO:0008185, OMIM 167800.

Submission:

Ambry Genetics
Classification: Uncertain significance for Hereditary pancreatitis. Last evaluated: 2024-04-11. Review status: criteria provided, single submitter. Criteria: Ambry Variant Classification Scheme 2023. Collection method: clinical testing. Allele origin: germline.
Comment: The p.E132D variant (also known as c.396G>T), located in coding exon 5 of the CTRC gene, results from a G to T substitution at nucleotide position 396. The glutamic acid at codon 132 is replaced by aspartic acid, an amino acid with highly similar properties. This amino acid position is conserved. In addition, this alteration is predicted to be tolerated by in silico analysis. Based on the available evidence, the clinical significance of this variant remains unclear.

NM_007272.3(CTRC):c.396G>T (p.Glu132Asp)

Gene: CTRC (chymotrypsin C; plus strand). Cytogenetic location: 1p36.21.
Variant type: single nucleotide variant.
Coding change: c.396G>T on transcript NM_007272.3 (MANE Select); coding-DNA position 396, G replaced by T.
Protein change: p.Glu132Asp; replaces glutamic acid 132 with aspartic acid.
Molecular consequence: missense variant.
Genome position (GRCh38, 1-based): chr1:15,443,458, G>T. VCF-style: chr1-15443458-G-T. GRCh37 (hg19) VCF-style: chr1-15769953-G-T.
Other names: short protein forms E132D.
Identifiers: ClinVar variation 3270183 (VCV003270183.1).